The following is an entry in ClinVar:

NM_182493.3(MYLK3):c.1135G>A (p.Gly379Arg)

Gene: MYLK3 (myosin light chain kinase 3; minus strand). Cytogenetic location: 16q11.2.
Variant type: single nucleotide variant.
Coding change: c.1135G>A on transcript NM_182493.3 (MANE Select); coding-DNA position 1135, G replaced by A.
Protein change: p.Gly379Arg; replaces glycine 379 with arginine.
Molecular consequence: missense variant.
Genome position (GRCh38, 1-based): chr16:46,732,535, C>T on the plus strand (G>A on the coding strand, the complement: MYLK3 is on the minus strand). VCF-style: chr16-46732535-C-T. GRCh37 (hg19) VCF-style: chr16-46766447-C-T.
Other names: c.112G>A, p.Gly38Arg (NM_001308301.1); c.1135G>A (NM_182493.2); short protein forms G38R, G379R.
Identifiers: ClinVar variation 1427847 (VCV001427847.9), dbSNP rs760783642, ClinGen allele CA8038068.

ClinVar aggregate classification (germline): Conflicting classifications of pathogenicity. Review status: criteria provided, conflicting classifications (1 of 4 stars). 2 submissions from 2 submitters: Uncertain significance (1); Likely benign (1). Last evaluated 2025-11-09.

Allele frequency attached by ClinVar (database versions not stated): ExAC 0.00002; gnomAD exomes 0.00002; gnomAD 0.00003; TOPMed 0.00004.

Submissions (2):

Labcorp Genetics (formerly Invitae), Labcorp
Classification: Uncertain significance. Last evaluated: 2025-11-09. Review status: criteria provided, single submitter. Criteria: Invitae Variant Classification Sherloc (09022015). Collection method: clinical testing. Allele origin: germline.
Comment: This sequence change replaces glycine, which is neutral and non-polar, with arginine, which is basic and polar, at codon 379 of the MYLK3 protein (p.Gly379Arg). This variant is present in population databases (rs760783642, gnomAD 0.009%). This variant has not been reported in the literature in individuals affected with MYLK3-related conditions. ClinVar contains an entry for this variant (Variation ID: 1427847). An algorithm developed to predict the effect of missense changes on protein structure and function outputs the following: PolyPhen-2: "Benign". The arginine amino acid residue is found in multiple mammalian species, which suggests that this missense change does not adversely affect protein function. In summary, the available evidence is currently insufficient to determine the role of this variant in disease. Therefore, it has been classified as a Variant of Uncertain Significance.

Ambry Genetics
Classification: Likely benign. Last evaluated: 2025-05-14. Review status: criteria provided, single submitter. Criteria: Ambry Variant Classification Scheme 2023. Collection method: clinical testing. Allele origin: germline.